The following is an entry in ClinVar:

ClinVar aggregate classification (germline): Uncertain significance (1 of 4 stars; one submission).

Submission:

GeneDx
Classification: Uncertain significance. Last evaluated: 2025-07-16. Review status: criteria provided, single submitter. Criteria: GeneDx Variant Classification Process June 2021. Collection method: clinical testing. Allele origin: germline. Affected: yes.
Comment: Not observed at significant frequency in large population cohorts (gnomAD); In silico analysis supports that this missense variant has a deleterious effect on protein structure/function; Has not been previously published as pathogenic or benign to our knowledge

NM_015662.3(IFT172):c.3940T>C (p.Cys1314Arg)

Genes: IFT172 (intraflagellar transport 172; minus strand), LOC126806173 (BRD4-independent group 4 enhancer GRCh37_chr2:27676057-27677256; plus strand). Cytogenetic location: 2p23.3.
Variant type: single nucleotide variant.
Coding change: c.3940T>C on transcript NM_015662.3 (MANE Select); coding-DNA position 3940, T replaced by C.
Protein change: p.Cys1314Arg; replaces cysteine 1314 with arginine.
Molecular consequence: missense variant.
Genome position (GRCh38, 1-based): chr2:27,453,395, A>G on the plus strand (T>C on the coding strand, the complement: IFT172 is on the minus strand). VCF-style: chr2-27453395-A-G. GRCh37 (hg19) VCF-style: chr2-27676262-A-G.
Other names: c.3874T>C, p.Cys1292Arg (NM_001410739.1); short protein forms C1292R, C1314R.
Identifiers: ClinVar variation 4686465 (VCV004686465.1).